The following is an entry in ClinVar:

NM_173543.3(DZIP1L):c.592C>T (p.Gln198Ter)

Gene: DZIP1L (DAZ interacting zinc finger protein 1 like; minus strand). Cytogenetic location: 3q22.3.
Variant type: single nucleotide variant.
Coding change: c.592C>T on transcript NM_173543.3 (MANE Select); coding-DNA position 592, C replaced by T.
Protein change: p.Gln198Ter; replaces glutamine 198 with a stop codon.
Molecular consequence: nonsense.
Genome position (GRCh38, 1-based): chr3:138,094,978, G>A on the plus strand (C>T on the coding strand, the complement: DZIP1L is on the minus strand). VCF-style: chr3-138094978-G-A. GRCh37 (hg19) VCF-style: chr3-137813820-G-A.
Other names: c.592C>T, p.Gln198Ter (NM_001170538.1); short protein forms Q198*.
Identifiers: ClinVar variation 5006554 (VCV005006554.2).

ClinVar aggregate classification (germline): Likely pathogenic (1 of 4 stars; one submission).

Conditions:
Polycystic kidney disease 5. Identifiers: MedGen C4539903, MONDO:0033281, OMIM 617610.

Submission:

Juno Genomics, Hangzhou Juno Genomics, Inc
Classification: Likely pathogenic for Polycystic kidney disease 5. Review status: criteria provided, single submitter. Criteria: ACMG Guidelines, 2015. Collection method: clinical testing. Allele origin: germline.
Comment: Null variant in a gene where loss of function (LOF) is a known mechanism of disease.;Absent from controls (or at extremely low frequency if recessive) in Genome Aggregation Database.